The following is an entry in ClinVar:

ClinVar aggregate classification (germline): Pathogenic/Likely pathogenic. Review status: criteria provided, multiple submitters, no conflicts (2 of 4 stars). 6 submissions from 6 submitters: Pathogenic (3); Likely pathogenic (3). Last evaluated 2024-10-09.

Conditions:
ILDR1-related disorder. Also called: ILDR1-related condition.
ILDR1-related disorders.
Childhood onset hearing loss.
Autosomal recessive nonsyndromic hearing loss 42. Identifiers: Orphanet 90636, MedGen C1864818, MONDO:0012326, OMIM 609646.

Allele frequency attached by ClinVar (database versions not stated): gnomAD exomes 0.00003 and 0.00004; TOPMed 0.00006; gnomAD 0.00007.
gnomAD v4.1: 57 of 1,535,896 alleles (0.0037%); highest among the groups gnomAD compares: Middle Eastern, 0.033%; no homozygotes.

Submissions (6):

Blueprint Genetics
Classification: Likely pathogenic for ILDR1-related disorders. Last evaluated: 2024-10-09. Review status: criteria provided, single submitter. Criteria: ACMG Guidelines, 2015. Collection method: clinical testing. Allele origin: germline. Affected: yes. Observed: 5 variant alleles.

PreventionGenetics, part of Exact Sciences
Classification: Likely pathogenic for ILDR1-related condition. Last evaluated: 2023-01-11. Review status: criteria provided, single submitter. Criteria: ACMG Guidelines, 2015. Collection method: clinical testing. Allele origin: germline.
Comment: The ILDR1 c.775C>T variant is predicted to result in premature protein termination (p.Arg259*). This variant was reported in as causative for autosomal recessive hearing loss (Adeyemo et al. 2022. PubMed ID: 34837038). This variant is reported in 0.012% of alleles in individuals of Latino descent in gnomAD. Nonsense variants in ILDR1 are expected to be pathogenic. This variant is interpreted as likely pathogenic.

Labcorp Genetics (formerly Invitae), Labcorp
Classification: Pathogenic. Last evaluated: 2021-12-23. Review status: criteria provided, single submitter. Criteria: Invitae Variant Classification Sherloc (09022015). Collection method: clinical testing. Allele origin: germline.
Comment: This sequence change creates a premature translational stop signal (p.Arg259*) in the ILDR1 gene. It is expected to result in an absent or disrupted protein product. Loss-of-function variants in ILDR1 are known to be pathogenic (PMID: 21255762). This variant is present in population databases (no rsID available, gnomAD 0.01%). This variant has not been reported in the literature in individuals affected with ILDR1-related conditions. ClinVar contains an entry for this variant (Variation ID: 1027550). Algorithms developed to predict the effect of sequence changes on RNA splicing suggest that this variant may create or strengthen a splice site. For these reasons, this variant has been classified as Pathogenic.

National Institute on Deafness and Communication Disorders, National Institutes of Health
Classification: Pathogenic for Childhood onset hearing loss. Last evaluated: 2021-07-08. Review status: criteria provided, single submitter. Criteria: ClinGen HL ACMG Specifications v1. Collection method: research. Allele origin: germline. Inheritance: Autosomal recessive inheritance. Affected: yes. Observed: 1 heterozygote. Segregation with disease not observed.
Comment: PVS1, PM2_ supporting, PM3_moderate / Modifications from PMID: 30311386 for classification: The genetic causes of hearing loss have not yet been well characterized in the Yoruba population, and the information regarding variant MAF in this population is still limited, so we did not exclude any variant based on their "high" MAF. PP3 criteria was applied even if the REVEL score was below 0.7, if at least two of the pathogenicity prediction algorithms used predicted that the variant was damaging or likely damaging.

was found associated with NM_001199799.2:c.9G>A

Juno Genomics, Hangzhou Juno Genomics, Inc
Classification: Likely pathogenic for Autosomal recessive nonsyndromic hearing loss 42. Review status: criteria provided, single submitter. Criteria: ACMG Guidelines, 2015. Collection method: clinical testing. Allele origin: germline.
Comment: Null variant in a gene where loss of function (LOF) is a known mechanism of disease.;Absent from controls (or at extremely low frequency if recessive) in Genome Aggregation Database.

Kariminejad - Najmabadi Pathology & Genetics Center
Classification: Pathogenic for Autosomal recessive nonsyndromic hearing loss 42. Review status: criteria provided, single submitter. Criteria: ACMG Guidelines, 2015. Collection method: clinical testing. Allele origin: germline. Affected: no.

Literature cited by the submitters: PubMed 21255762 (cited by Labcorp Genetics (formerly Invitae), Labcorp).

NM_001199799.2(ILDR1):c.775C>T (p.Arg259Ter)

Gene: ILDR1 (immunoglobulin like domain containing receptor 1; minus strand). Cytogenetic location: 3q13.33.
Variant type: single nucleotide variant.
Coding change: c.775C>T on transcript NM_001199799.2 (MANE Select); coding-DNA position 775, C replaced by T.
Protein change: p.Arg259Ter; replaces arginine 259 with a stop codon.
Molecular consequence: nonsense. On other transcripts: intron variant (1).
Genome position (GRCh38, 1-based): chr3:121,994,185, G>A on the plus strand (C>T on the coding strand, the complement: ILDR1 is on the minus strand). VCF-style: chr3-121994185-G-A. GRCh37 (hg19) VCF-style: chr3-121713032-G-A.
Other names: c.508C>T, p.Arg170Ter (NM_001199800.2); c.647-215C>T (NM_175924.4); c.775C>T (NM_001199799.1); short protein forms R170*, R259*.
Identifiers: ClinVar variation 1027550 (VCV001027550.9), dbSNP rs920852517, ClinGen allele CA82735826.